The following is an entry in ClinVar:

NM_213599.3(ANO5):c.2181A>G (p.Ile727Met)

Gene: ANO5 (anoctamin 5; plus strand). Cytogenetic location: 11p14.3.
Variant type: single nucleotide variant.
Coding change: c.2181A>G on transcript NM_213599.3 (MANE Select); coding-DNA position 2181, A replaced by G.
Protein change: p.Ile727Met; replaces isoleucine 727 with methionine.
Molecular consequence: missense variant.
Genome position (GRCh38, 1-based): chr11:22,272,935, A>G. VCF-style: chr11-22272935-A-G. GRCh37 (hg19) VCF-style: chr11-22294481-A-G.
Other names: c.2178A>G, p.Ile726Met (NM_001142649.2); c.2139A>G, p.Ile713Met (NM_001410963.1); c.2136A>G, p.Ile712Met (NM_001410964.1); short protein forms I726M, I713M, I727M, I712M.
Identifiers: ClinVar variation 2055303 (VCV002055303.4), dbSNP rs2133788867, ClinGen allele CA379923948.
Genomic context (GRCh38, chr11:22,272,935, plus strand): 5'-GGATGCCTGGAAACTTACCACTCAATACAGGAGAACTGTAGCTTCTAAAGCTCATAGCAT[A>G]GGTGTTTGGCAAGACATTCTTTATGGAATGGCTGTCCTTTCTGTTGCAACTAATGTAAGT-3'
Protein context (NP_998764.1, residues 717-737): RRTVASKAHS[Ile727Met]GVWQDILYGM

ClinVar aggregate classification (germline): Uncertain significance (1 of 4 stars; one submission).

Conditions:
Gnathodiaphyseal dysplasia (GDD). Also called: GNATHODIAPHYSEAL SCLEROSIS; OSTEOGENESIS IMPERFECTA WITH UNUSUAL SKELETAL LESIONS. Identifiers: Orphanet 53697, MedGen C1833736, MONDO:0008151, OMIM 166260.
Autosomal recessive limb-girdle muscular dystrophy type 2L (LGMDR12). Also called: MUSCULAR DYSTROPHY, LIMB-GIRDLE, AUTOSOMAL RECESSIVE 12; Limb-girdle muscular dystrophy, type 2L; Limb-Girdle Muscular Dystrophy R12 Anoctamin-5-Related (LGMD-R12). Identifiers: Orphanet 206549, MedGen C1969785, MONDO:0012652, OMIM 611307.

Allele frequency attached by ClinVar (database versions not stated): gnomAD exomes below 0.00001.
gnomAD v4.1: 5 of 1,614,106 alleles (0.00031%); highest among the groups gnomAD compares: Non-Finnish European, 0.00042%; no homozygotes.

Submission:

Labcorp Genetics (formerly Invitae), Labcorp
Classification: Uncertain significance for Autosomal recessive limb-girdle muscular dystrophy type 2L; Gnathodiaphyseal dysplasia. Last evaluated: 2025-06-02. Review status: criteria provided, single submitter. Criteria: Invitae Variant Classification Sherloc (09022015). Collection method: clinical testing. Allele origin: germline.
Comment: This sequence change replaces isoleucine, which is neutral and non-polar, with methionine, which is neutral and non-polar, at codon 727 of the ANO5 protein (p.Ile727Met). This variant is not present in population databases (gnomAD no frequency). This variant has not been reported in the literature in individuals affected with ANO5-related conditions. ClinVar contains an entry for this variant (Variation ID: 2055303). Invitae Evidence Modeling of protein sequence and biophysical properties (such as structural, functional, and spatial information, amino acid conservation, physicochemical variation, residue mobility, and thermodynamic stability) indicates that this missense variant is expected to disrupt ANO5 protein function with a positive predictive value of 95%. In summary, the available evidence is currently insufficient to determine the role of this variant in disease. Therefore, it has been classified as a Variant of Uncertain Significance.